The following is an entry in ClinVar:

NM_001844.5(COL2A1):c.1734+3A>C

Gene: COL2A1 (collagen type II alpha 1 chain; minus strand). Cytogenetic location: 12q13.11.
Variant type: single nucleotide variant.
Coding change: c.1734+3A>C on transcript NM_001844.5 (MANE Select); 3 bases into the intron after coding-DNA position 1734, A replaced by C.
Molecular consequence: intron variant.
Genome position (GRCh38, 1-based): chr12:47,985,531, T>G on the plus strand (A>C on the coding strand, the complement: COL2A1 is on the minus strand). VCF-style: chr12-47985531-T-G. GRCh37 (hg19) VCF-style: chr12-48379314-T-G.
Other names: c.1527+3A>C (NM_033150.3).
Identifiers: ClinVar variation 384091 (VCV000384091.2), dbSNP rs1057521852, ClinGen allele CA16607295.

ClinVar aggregate classification (germline): Likely pathogenic (1 of 4 stars; one submission).

Submission:

GeneDx
Classification: Likely pathogenic. Last evaluated: 2016-05-10. Review status: criteria provided, single submitter. Criteria: GeneDx Variant Classification (06012015). Collection method: clinical testing. Allele origin: germline. Affected: yes.
Comment: The c.1734+3A>C variant in the COL2A1 gene has not been reported previously as a pathogenic variant nor as a benign variant, to our knowledge. This splice site variant destroys the canonical splice donor site in intron 26. It is predicted to cause abnormal gene splicing, either leading to an abnormal message that is subject to nonsense-mediated mRNA decay, or to an abnormal protein product if the message is used for protein translation. The c.1734+3A>C variant was not observed in approximately 6500 individuals of European and African American ancestry in the NHLBI Exome Sequencing Project, indicating it is not a common benign variant in these populations. The c.1734+3A>C variant is a strong candidate for a pathogenic variant